The following is an entry in ClinVar:

ClinVar aggregate classification (germline): Uncertain significance (1 of 4 stars; one submission).

Allele frequency attached by ClinVar (database versions not stated): gnomAD 0.00002; gnomAD exomes 0.00002; TOPMed 0.00002.

Submission:

Labcorp Genetics (formerly Invitae), Labcorp
Classification: Uncertain significance. Last evaluated: 2023-08-14. Review status: criteria provided, single submitter. Criteria: Invitae Variant Classification Sherloc (09022015). Collection method: clinical testing. Allele origin: germline.
Comment: In summary, the available evidence is currently insufficient to determine the role of this variant in disease. Therefore, it has been classified as a Variant of Uncertain Significance. An algorithm developed to predict the effect of missense changes on protein structure and function (PolyPhen-2) suggests that this variant is likely to be disruptive. This variant has not been reported in the literature in individuals affected with GZF1-related conditions. This variant is present in population databases (no rsID available, gnomAD 0.007%). This sequence change replaces threonine, which is neutral and polar, with isoleucine, which is neutral and non-polar, at codon 495 of the GZF1 protein (p.Thr495Ile).

NM_022482.5(GZF1):c.1484C>T (p.Thr495Ile)

Gene: GZF1 (GDNF inducible zinc finger protein 1; plus strand). Cytogenetic location: 20p11.21.
Variant type: single nucleotide variant.
Coding change: c.1484C>T on transcript NM_022482.5 (MANE Select); coding-DNA position 1484, C replaced by T.
Protein change: p.Thr495Ile; replaces threonine 495 with isoleucine.
Molecular consequence: missense variant.
Genome position (GRCh38, 1-based): chr20:23,368,786, C>T. VCF-style: chr20-23368786-C-T. GRCh37 (hg19) VCF-style: chr20-23349423-C-T.
Other names: c.1484C>T, p.Thr495Ile (NM_001317012.2, NM_001317019.1); short protein forms T495I.
Identifiers: ClinVar variation 2966869 (VCV002966869.1), dbSNP rs1284519320, ClinGen allele CA408412789.